The following is an entry in ClinVar:

ClinVar aggregate classification (germline): Likely benign (1 of 4 stars; one submission).

Allele frequency attached by ClinVar (database versions not stated): TOPMed 0.00028; 1000 Genomes Project 30x 0.00047; 1000 Genomes Project 0.00060; ESP Exome Variant Server 0.00062; gnomAD exomes 0.00081 and 0.00152; ExAC 0.00150; gnomAD 0.00150 and 0.00160.
gnomAD v4.1: 1,398 of 1,610,586 alleles (0.087%); highest among the groups gnomAD compares: Non-Finnish European, 0.05%; 5 homozygotes.

Submission:

GeneDx
Classification: Likely benign. Last evaluated: 2018-06-14. Review status: criteria provided, single submitter. Criteria: GeneDx Variant Classification (06012015). Collection method: clinical testing. Allele origin: germline. Affected: yes.
Comment: This variant is considered likely benign or benign based on one or more of the following criteria: it is a conservative change, it occurs at a poorly conserved position in the protein, it is predicted to be benign by multiple in silico algorithms, and/or has population frequency not consistent with disease.

NM_001165963.4(SCN1A):c.4582-27G>A

Genes: SCN1A (sodium voltage-gated channel alpha subunit 1; minus strand), LOC102724058 (uncharacterized LOC102724058; plus strand). Cytogenetic location: 2q24.3.
Variant type: single nucleotide variant.
Coding change: c.4582-27G>A on transcript NM_001165963.4 (MANE Select); 27 bases into the intron before coding-DNA position 4582, G replaced by A.
Molecular consequence: intron variant.
Genome position (GRCh38, 1-based): chr2:165,994,443, C>T on the plus strand (G>A on the coding strand, the complement: SCN1A is on the minus strand). VCF-style: chr2-165994443-C-T. GRCh37 (hg19) VCF-style: chr2-166850953-C-T.
Other names: c.4549-27G>A (NM_001353949.2, NM_001353950.2, NM_001353951.2 and 2 more transcripts); c.4498-27G>A (NM_001353958.2, NM_001353957.2, NM_001165964.3); c.4582-27G>A (NM_001202435.3, NM_001353948.2); c.4546-27G>A (NM_001353955.2, NM_001353954.2); c.4495-27G>A (NM_001353960.2); c.2140-27G>A (NM_001353961.2).
Identifiers: ClinVar variation 675607 (VCV000675607.1), dbSNP rs113927395, ClinGen allele CA1942765.